The following is an entry in ClinVar:

NM_002907.4(RECQL):c.1486C>G (p.Leu496Val)

Gene: RECQL (RecQ like helicase; minus strand). Cytogenetic location: 12p12.1.
Variant type: single nucleotide variant.
Coding change: c.1486C>G on transcript NM_002907.4 (MANE Select); coding-DNA position 1486, C replaced by G.
Protein change: p.Leu496Val; replaces leucine 496 with valine.
Molecular consequence: missense variant.
Genome position (GRCh38, 1-based): chr12:21,471,609, G>C on the plus strand (C>G on the coding strand, the complement: RECQL is on the minus strand). VCF-style: chr12-21471609-G-C. GRCh37 (hg19) VCF-style: chr12-21624543-G-C.
Other names: c.1486C>G, p.Leu496Val (NM_032941.3); short protein forms L496V.
Identifiers: ClinVar variation 4152304 (VCV004152304.1).

ClinVar aggregate classification (germline): Uncertain significance (1 of 4 stars; one submission).

Submission:

Ambry Genetics
Classification: Uncertain significance. Last evaluated: 2025-06-24. Review status: criteria provided, single submitter. Criteria: Ambry Variant Classification Scheme 2023. Collection method: clinical testing. Allele origin: germline.
Comment: The p.L496V variant (also known as c.1486C>G), located in coding exon 12 of the RECQL gene, results from a C to G substitution at nucleotide position 1486. The leucine at codon 496 is replaced by valine, an amino acid with highly similar properties. This amino acid position is conserved. In addition, this alteration is predicted to be tolerated by in silico analysis. Based on the available evidence, the clinical significance of this variant remains unclear.